The following is an entry in ClinVar:

ClinVar aggregate classification (germline): Benign/Likely benign. Review status: criteria provided, multiple submitters, no conflicts (2 of 4 stars). 3 submissions from 3 submitters: Benign (1); Likely benign (2). Last evaluated 2026-09-28.

Conditions:
Neurofibromatosis, type 1 (NF1). Also called: VON RECKLINGHAUSEN DISEASE; NEUROFIBROMATOSIS, TYPE I, SOMATIC; Peripheral type neurofibromatosis; Neurofibromatosis, type I. Identifiers: Orphanet 636, MedGen C0027831, MONDO:0018975, OMIM 162200. Disease mechanism: loss of function.
Hereditary cancer-predisposing syndrome. Also called: Tumor predisposition; Hereditary neoplastic syndrome; Hereditary Cancer Syndrome; Neoplastic Syndromes, Hereditary. Identifiers: Orphanet 140162, MedGen C0027672, MeSH D009386, MONDO:0015356.
Cardiovascular phenotype. Identifiers: MedGen CN230736.

Submissions (3):

Myriad Genetics, Inc.
Classification: Benign for Neurofibromatosis, type 1. Last evaluated: 2026-09-28. Review status: criteria provided, single submitter. Criteria: Myriad Autosomal Dominant, Autosomal Recessive and X-Linked Classification Criteria (2023). Collection method: clinical testing. Allele origin: unknown.
Comment: This variant is considered benign. This variant is a silent/synonymous amino acid change and it is not expected to impact splicing.

Labcorp Genetics (formerly Invitae), Labcorp
Classification: Likely benign for Neurofibromatosis, type 1. Last evaluated: 2025-10-16. Review status: criteria provided, single submitter. Criteria: Invitae Variant Classification Sherloc (09022015). Collection method: clinical testing. Allele origin: germline.

Ambry Genetics
Classification: Likely benign for Cardiovascular phenotype; Hereditary cancer-predisposing syndrome. Last evaluated: 2024-01-11. Review status: criteria provided, single submitter. Criteria: Ambry Variant Classification Scheme 2023. Collection method: clinical testing. Allele origin: germline.

NM_001042492.3(NF1):c.3327A>G (p.Leu1109=)

Gene: NF1 (neurofibromin 1; plus strand). Cytogenetic location: 17q11.2.
Variant type: single nucleotide variant.
Coding change: c.3327A>G on transcript NM_001042492.3 (MANE Select); coding-DNA position 3327, A replaced by G.
Protein change: p.Leu1109=; no amino-acid change (leucine 1109 retained).
Molecular consequence: synonymous variant.
Genome position (GRCh38, 1-based): chr17:31,232,712, A>G. VCF-style: chr17-31232712-A-G. GRCh37 (hg19) VCF-style: chr17-29559730-A-G.
Other names: c.3327A>G, p.Leu1109= (NM_000267.4).
Identifiers: ClinVar variation 3237725 (VCV003237725.3), dbSNP rs2151434470.
Genomic context (GRCh38, chr17:31,232,712, plus strand): 5'-AGTTGATACGGCCTTCACTATGTAAAGGTCAGTCTTTTTATTTCTCAGATACTTCACATT[A>G]TTTATGAACCTTTTGAATGACTGCAGTGAAGTTGAAGATGAAAGTGCGCAAACAGGTGGC-3'
Protein context (NP_001035957.1, residues 1099-1119): KSQLFLKYFT[Leu1109=]FMNLLNDCSE